The following is an entry in ClinVar:

ClinVar aggregate classification (germline): Pathogenic (1 of 4 stars; one submission).

Conditions:
Cohen syndrome (COH1). Also called: PEPPER SYNDROME; Cutis verticis gyrata, retinitis pigmentosa, and sensorineural deafness. Identifiers: Orphanet 193, MedGen C0265223, MONDO:0008999, OMIM 216550.

Submission:

Labcorp Genetics (formerly Invitae), Labcorp
Classification: Pathogenic for Cohen syndrome. Last evaluated: 2018-06-22. Review status: criteria provided, single submitter. Criteria: Invitae Variant Classification Sherloc (09022015). Collection method: clinical testing. Allele origin: germline.
Comment: This variant is an out-of-frame deletion of the genomic region encompassing exons 31-34 of the VPS13B gene. This is expected to create a premature translational stop signal and result in an absent or disrupted protein product. This variant has been observed in an individual with clinical features of Cohen syndrome (Invitae). Loss-of-function variants in VPS13B are known to be pathogenic (PMID: 15141358, 16648375, 20461111). For these reasons, this variant has been classified as Pathogenic.

NC_000008.11:g.(?_99556430)_(99642518_?)del

Gene: VPS13B (vacuolar protein sorting 13 homolog B; plus strand). Cytogenetic location: 8q22.2.
Variant type: Deletion.
Identifiers: ClinVar variation 584011 (VCV000584011.1).